The following is an entry in ClinVar:

ClinVar aggregate classification (germline): Uncertain significance. Review status: criteria provided, multiple submitters, no conflicts (2 of 4 stars). 2 submissions from 2 submitters: Uncertain significance (2). Last evaluated 2021-06-02.

gnomAD v4.1: 12 of 1,614,132 alleles (0.00074%); highest among the groups gnomAD compares: South Asian, 0.013%; no homozygotes.

Submissions (2):

Blueprint Genetics
Classification: Uncertain significance. Last evaluated: 2021-06-02. Review status: criteria provided, single submitter. Criteria: ACMG Guidelines, 2015. Collection method: clinical testing. Allele origin: germline.

GeneDx
Classification: Uncertain significance. Last evaluated: 2017-01-10. Review status: criteria provided, single submitter. Criteria: GeneDx Variant Classification (06012015). Collection method: clinical testing. Allele origin: germline. Affected: yes.
Comment: The I246M variant in the ACTN4 gene has not been reported previously as a pathogenic variant, nor as a benign variant, to our knowledge. The I246M variant was not observed in approximately 6500 individuals of European and African American ancestry in the NHLBI Exome Sequencing Project, indicating it is not a common benign variant in these populations. The I246M variant is a conservative amino acid substitution, which is not likely to impact secondary protein structure as these residues share similar properties. This substitution occurs at a position that is conserved across species, however, in silico analysis is inconsistent in its predictions as to whether or not the variant is damaging to the protein structure/function. We interpret I246M as a variant of uncertain significance.

NM_004924.6(ACTN4):c.738C>G (p.Ile246Met)

Gene: ACTN4 (actinin alpha 4; plus strand). Cytogenetic location: 19q13.2.
Variant type: single nucleotide variant.
Coding change: c.738C>G on transcript NM_004924.6 (MANE Select); coding-DNA position 738, C replaced by G.
Protein change: p.Ile246Met; replaces isoleucine 246 with methionine.
Molecular consequence: missense variant. On other transcripts: intron variant (1).
Genome position (GRCh38, 1-based): chr19:38,710,261, C>G. VCF-style: chr19-38710261-C-G. GRCh37 (hg19) VCF-style: chr19-39200901-C-G.
Other names: c.733+785C>G (NM_001322033.2); short protein forms I246M.
Identifiers: ClinVar variation 392912 (VCV000392912.3), dbSNP rs34491236, ClinGen allele CA9417387.